The following is an entry in ClinVar:

ClinVar aggregate classification (germline): Uncertain significance (1 of 4 stars; one submission).

Conditions:
Arginine:glycine amidinotransferase deficiency (CCDS3). Also called: L-Arginine:Glycine Amidinotransferase (AGAT) Deficiency; Creatine deficiency syndrome due to AGAT deficiency; GATM deficiency; Cerebral creatine deficiency syndrome 3; AGAT deficiency; L-Arginine:Glycine Amidinotransferase Deficiency. Identifiers: Orphanet 35704, MedGen C2675179, MONDO:0012996, OMIM 612718.

Allele frequency attached by ClinVar (database versions not stated): gnomAD 0.00001.
gnomAD v4.1: 1 of 1,614,038 alleles (0.000062%); highest among the groups gnomAD compares: African/African-American, 0.0013%; no homozygotes.

Submission:

Labcorp Genetics (formerly Invitae), Labcorp
Classification: Uncertain significance for Arginine:glycine amidinotransferase deficiency. Last evaluated: 2024-12-17. Review status: criteria provided, single submitter. Criteria: Invitae Variant Classification Sherloc (09022015). Collection method: clinical testing. Allele origin: germline.
Comment: This sequence change replaces glycine, which is neutral and non-polar, with arginine, which is basic and polar, at codon 112 of the GATM protein (p.Gly112Arg). This variant is not present in population databases (gnomAD no frequency). This variant has not been reported in the literature in individuals affected with GATM-related conditions. ClinVar contains an entry for this variant (Variation ID: 1491072). Invitae Evidence Modeling of protein sequence and biophysical properties (such as structural, functional, and spatial information, amino acid conservation, physicochemical variation, residue mobility, and thermodynamic stability) indicates that this missense variant is expected to disrupt GATM protein function with a positive predictive value of 95%. In summary, the available evidence is currently insufficient to determine the role of this variant in disease. Therefore, it has been classified as a Variant of Uncertain Significance.

NM_001482.3(GATM):c.334G>A (p.Gly112Arg)

Gene: GATM (glycine amidinotransferase; minus strand). Cytogenetic location: 15q21.1.
Variant type: single nucleotide variant.
Coding change: c.334G>A on transcript NM_001482.3 (MANE Select); coding-DNA position 334, G replaced by A.
Protein change: p.Gly112Arg; replaces glycine 112 with arginine.
Molecular consequence: missense variant. On other transcripts: 5 prime UTR variant (1).
Genome position (GRCh38, 1-based): chr15:45,369,476, C>T on the plus strand (G>A on the coding strand, the complement: GATM is on the minus strand). VCF-style: chr15-45369476-C-T. GRCh37 (hg19) VCF-style: chr15-45661674-C-T.
Other names: c.-54G>A (NM_001321015.2); short protein forms G112R.
Identifiers: ClinVar variation 1491072 (VCV001491072.8), dbSNP rs1889504321, ClinGen allele CA392262097.